The following is an entry in ClinVar:

ClinVar aggregate classification (germline): Uncertain significance (1 of 4 stars; one submission).

gnomAD v4.1: 1 of 1,530,164 alleles (0.000065%); highest among the groups gnomAD compares: Non-Finnish European, 0.000088%; no homozygotes.

Submission:

GeneDx
Classification: Uncertain significance. Last evaluated: 2024-06-10. Review status: criteria provided, single submitter. Criteria: GeneDx Variant Classification Process June 2021. Collection method: clinical testing. Allele origin: germline. Affected: yes.
Comment: Not observed at significant frequency in large population cohorts (gnomAD); In silico analysis indicates that this missense variant does not alter protein structure/function; Has not been previously published as pathogenic or benign to our knowledge

NM_020928.2(ZSWIM6):c.1460G>C (p.Ser487Thr)

Gene: ZSWIM6 (zinc finger SWIM-type containing 6; plus strand). Cytogenetic location: 5q12.1.
Variant type: single nucleotide variant.
Coding change: c.1460G>C on transcript NM_020928.2 (MANE Select); coding-DNA position 1460, G replaced by C.
Protein change: p.Ser487Thr; replaces serine 487 with threonine.
Molecular consequence: missense variant.
Genome position (GRCh38, 1-based): chr5:61,521,389, G>C. VCF-style: chr5-61521389-G-C. GRCh37 (hg19) VCF-style: chr5-60817216-G-C.
Other names: short protein forms S487T.
Identifiers: ClinVar variation 3390377 (VCV003390377.1).